The following is an entry in ClinVar:

NC_000003.11:g.(?_57843440)_(58520833_?)del

Genes: ABHD6 (abhydrolase domain containing 6, acylglycerol lipase; plus strand), ACOX2 (acyl-CoA oxidase 2; minus strand), DNASE1L3 (deoxyribonuclease 1L3; minus strand), FLNB (filamin B; plus strand), KCTD6 (potassium channel tetramerization domain containing 6; plus strand) and 4 more. Cytogenetic location: 3p14.3.
Variant type: Deletion.
Identifiers: ClinVar variation 3246999 (VCV003246999.1).

ClinVar aggregate classification (germline): Pathogenic (1 of 4 stars; one submission).

Submission:

Labcorp Genetics (formerly Invitae), Labcorp
Classification: Pathogenic. Last evaluated: 2022-12-21. Review status: criteria provided, single submitter. Criteria: Invitae Variant Classification Sherloc (09022015). Collection method: clinical testing. Allele origin: unknown.
Comment: A gross deletion of the genomic region encompassing the full coding sequence of the DNASE1L3 gene has been identified. Loss-of-function variants in DNASE1L3 are known to be pathogenic (PMID: 24206041, 27821515). The boundaries of this event are unknown as they extend beyond the assayed region for this gene and therefore may encompass additional genes. For these reasons, this variant has been classified as Pathogenic. This variant has not been reported in the literature in individuals affected with DNASE1L3-related conditions.

Literature cited by the submitters: PubMed 24206041; PubMed 27821515.